The following is an entry in ClinVar:

ClinVar aggregate classification (germline): Uncertain significance. Review status: criteria provided, multiple submitters, no conflicts (2 of 4 stars). 2 submissions from 2 submitters: Uncertain significance (2). Last evaluated 2024-12-11.

Conditions:
Hereditary cancer-predisposing syndrome. Also called: Neoplastic Syndromes, Hereditary; Tumor predisposition; Hereditary Cancer Syndrome; Hereditary neoplastic syndrome. Identifiers: Orphanet 140162, MedGen C0027672, MeSH D009386, MONDO:0015356.

gnomAD v4.1: 3 of 1,613,240 alleles (0.00019%); highest among the groups gnomAD compares: Non-Finnish European, 0.00025%; no homozygotes.

Submissions (2):

Labcorp Genetics (formerly Invitae), Labcorp
Classification: Uncertain significance. Last evaluated: 2024-12-11. Review status: criteria provided, single submitter. Criteria: Invitae Variant Classification Sherloc (09022015). Collection method: clinical testing. Allele origin: germline.
Comment: This sequence change replaces glycine, which is neutral and non-polar, with valine, which is neutral and non-polar, at codon 23 of the HOXB13 protein (p.Gly23Val). This variant is not present in population databases (gnomAD no frequency). This variant has not been reported in the literature in individuals affected with HOXB13-related conditions. ClinVar contains an entry for this variant (Variation ID: 1756065). An algorithm developed to predict the effect of missense changes on protein structure and function (PolyPhen-2) suggests that this variant is likely to be tolerated. In summary, the available evidence is currently insufficient to determine the role of this variant in disease. Therefore, it has been classified as a Variant of Uncertain Significance.

Ambry Genetics
Classification: Uncertain significance for Hereditary cancer-predisposing syndrome. Last evaluated: 2023-10-24. Review status: criteria provided, single submitter. Criteria: Ambry Variant Classification Scheme 2023. Collection method: clinical testing. Allele origin: germline.
Comment: The p.G23V variant (also known as c.68G>T), located in coding exon 1 of the HOXB13 gene, results from a G to T substitution at nucleotide position 68. The glycine at codon 23 is replaced by valine, an amino acid with dissimilar properties. This amino acid position is conserved. In addition, this alteration is predicted to be tolerated by in silico analysis. Since supporting evidence is limited at this time, the clinical significance of this alteration remains unclear.

NM_006361.6(HOXB13):c.68G>T (p.Gly23Val)

Gene: HOXB13 (homeobox B13; minus strand). Cytogenetic location: 17q21.32.
Variant type: single nucleotide variant.
Coding change: c.68G>T on transcript NM_006361.6 (MANE Select); coding-DNA position 68, G replaced by T.
Protein change: p.Gly23Val; replaces glycine 23 with valine.
Molecular consequence: missense variant.
Genome position (GRCh38, 1-based): chr17:48,728,526, C>A on the plus strand (G>T on the coding strand, the complement: HOXB13 is on the minus strand). VCF-style: chr17-48728526-C-A. GRCh37 (hg19) VCF-style: chr17-46805888-C-A.
Other names: short protein forms G23V.
Identifiers: ClinVar variation 1756065 (VCV001756065.7), dbSNP rs745392080, ClinGen allele CA400109613.